The following is an entry in ClinVar:

NM_001032283.3(TMPO):c.89G>T (p.Gly30Val)

Genes: TMPO (thymopoietin; plus strand), TMPO-AS1 (TMPO antisense RNA 1; minus strand). Cytogenetic location: 12q23.1.
Variant type: single nucleotide variant.
Coding change: c.89G>T on transcript NM_001032283.3 (MANE Select); coding-DNA position 89, G replaced by T.
Protein change: p.Gly30Val; replaces glycine 30 with valine.
Molecular consequence: missense variant.
Genome position (GRCh38, 1-based): chr12:98,515,956, G>T. VCF-style: chr12-98515956-G-T. GRCh37 (hg19) VCF-style: chr12-98909734-G-T.
Other names: c.89G>T, p.Gly30Val (NM_001032284.3, NM_001307975.2, NM_003276.2); short protein forms G30V.
Identifiers: ClinVar variation 5030965 (VCV005030965.1).

ClinVar aggregate classification (germline): Uncertain significance (1 of 4 stars; one submission).

gnomAD v4.1: 4 of 1,613,326 alleles (0.00025%); highest among the groups gnomAD compares: Non-Finnish European, 0.00025%; no homozygotes.

Submission:

Ambry Genetics
Classification: Uncertain significance. Last evaluated: 2026-08-24. Review status: criteria provided, single submitter. Criteria: Ambry Variant Classification Scheme 2023. Collection method: clinical testing. Allele origin: germline.
Comment: The p.G30V variant (also known as c.89G>T), located in coding exon 1 of the TMPO gene, results from a G to T substitution at nucleotide position 89. The glycine at codon 30 is replaced by valine, an amino acid with dissimilar properties. This amino acid position is conserved. In addition, the in silico prediction for this alteration is inconclusive. Based on the available evidence, the clinical significance of this variant remains unclear.